The following is an entry in ClinVar:

ClinVar aggregate classification (germline): Uncertain significance (1 of 4 stars; one submission).

Conditions:
Charcot-Marie-Tooth disease type 2. Also called: Charcot-Marie-Tooth type 2. Identifiers: Orphanet 64746, MedGen C0270914, MONDO:0018993.

Allele frequency attached by ClinVar (database versions not stated): gnomAD exomes below 0.00001.
gnomAD v4.1: 3 of 1,614,174 alleles (0.00019%); highest among the groups gnomAD compares: Non-Finnish European, 0.00025%; no homozygotes.

Submission:

Labcorp Genetics (formerly Invitae), Labcorp
Classification: Uncertain significance for Charcot-Marie-Tooth disease type 2. Last evaluated: 2021-08-03. Review status: criteria provided, single submitter. Criteria: Invitae Variant Classification Sherloc (09022015). Collection method: clinical testing. Allele origin: germline.
Comment: This sequence change replaces methionine with valine at codon 551 of the MFN2 protein (p.Met551Val). The methionine residue is moderately conserved and there is a small physicochemical difference between methionine and valine. This variant is not present in population databases (ExAC no frequency). This variant has not been reported in the literature in individuals affected with MFN2-related conditions. Algorithms developed to predict the effect of missense changes on protein structure and function are either unavailable or do not agree on the potential impact of this missense change (SIFT: "Tolerated"; PolyPhen-2: "Possibly Damaging"; Align-GVGD: "Class C0"). In summary, the available evidence is currently insufficient to determine the role of this variant in disease. Therefore, it has been classified as a Variant of Uncertain Significance.

NM_014874.4(MFN2):c.1651A>G (p.Met551Val)

Genes: MFN2 (mitofusin 2; plus strand), LOC129929426 (ATAC-STARR-seq lymphoblastoid active region 185; plus strand). Cytogenetic location: 1p36.22.
Variant type: single nucleotide variant.
Coding change: c.1651A>G on transcript NM_014874.4 (MANE Select); coding-DNA position 1651, A replaced by G.
Protein change: p.Met551Val; replaces methionine 551 with valine.
Molecular consequence: missense variant.
Genome position (GRCh38, 1-based): chr1:12,005,866, A>G. VCF-style: chr1-12005866-A-G. GRCh37 (hg19) VCF-style: chr1-12065923-A-G.
Other names: c.1651A>G, p.Met551Val (NM_001127660.2); short protein forms M551V.
Identifiers: ClinVar variation 1509800 (VCV001509800.6), dbSNP rs2100853294, ClinGen allele CA338448158.